The following is an entry in ClinVar:

ClinVar aggregate classification (germline): Benign/Likely benign. Review status: criteria provided, multiple submitters, no conflicts (2 of 4 stars). 10 submissions from 10 submitters: Benign (8); Likely benign (1). 1 of the submissions does not count toward it. Last evaluated 2026-02-04.

Conditions:
Ehlers-Danlos syndrome (EDS). Identifiers: Orphanet 98249, MedGen C0013720, MONDO:0020066.
Ehlers-Danlos syndrome, dermatosparaxis type. Also called: Ehlers-Danlos syndrome, type VII, autosomal recessive; Dermatosparaxis; EDS VIIC. Identifiers: Orphanet 1901, MedGen C2700425, MONDO:0009161, OMIM 225410.

Allele frequency attached by ClinVar (database versions not stated): TOPMed 0.00531; gnomAD 0.00560 and 0.00604; ESP Exome Variant Server 0.00569; 1000 Genomes Project 30x 0.00671; 1000 Genomes Project 0.00739; gnomAD exomes 0.00791 and 0.00823; ExAC 0.00807.
gnomAD v4.1: 12,936 of 1,610,288 alleles (0.8%); highest among the groups gnomAD compares: South Asian, 2.2%; 94 homozygotes.

Submissions (10):

Labcorp Genetics (formerly Invitae), Labcorp
Classification: Benign for Ehlers-Danlos syndrome, dermatosparaxis type. Last evaluated: 2026-02-04. Review status: criteria provided, single submitter. Criteria: Invitae Variant Classification Sherloc (09022015). Collection method: clinical testing. Allele origin: germline.

Blueprint Genetics
Classification: Likely benign. Last evaluated: 2024-11-25. Review status: criteria provided, single submitter. Criteria: ACMG Guidelines, 2015. Collection method: clinical testing. Allele origin: germline.

Mayo Clinic Laboratories, Mayo Clinic
Classification: Benign. Last evaluated: 2023-10-30. Review status: criteria provided, single submitter. Criteria: ACMG Guidelines, 2015. Collection method: clinical testing. Allele origin: germline. Observed: 74 variant alleles.
Comment: BS1, BS2, BP4, BP7

Genome Diagnostics Laboratory, The Hospital for Sick Children
Classification: Benign for Ehlers-Danlos syndrome. Last evaluated: 2022-06-10. Review status: criteria provided, single submitter. Criteria: ACMG Guidelines, 2015. Collection method: clinical testing. Allele origin: germline.

Fulgent Genetics
Classification: Benign for Ehlers-Danlos syndrome, dermatosparaxis type. Last evaluated: 2022-02-11. Review status: criteria provided, single submitter. Criteria: ACMG Guidelines, 2015. Collection method: clinical testing. Allele origin: unknown.

Women's Health and Genetics/Laboratory Corporation of America, LabCorp
Classification: Benign. Last evaluated: 2020-02-09. Review status: criteria provided, single submitter. Criteria: LabCorp Variant Classification Summary - May 2015. Collection method: clinical testing. Allele origin: germline.
Comment: Variant summary: ADAMTS2 c.1629+9G>A alters a non-conserved nucleotide located close to a canonical splice site and therefore could affect mRNA splicing, leading to a significantly altered protein sequence. 4/4 computational tools predict no significant impact on normal splicing. However, these predictions have yet to be confirmed by functional studies. The variant allele was found at a frequency of 0.0079 in 251094 control chromosomes in the gnomAD database, including 13 homozygotes. The observed variant frequency is approximately 2.74 fold of the estimated maximal expected allele frequency for a pathogenic variant in ADAMTS2 causing Ehlers-Danlos Syndrome, Type VIIC (Dermatosparaxis) phenotype (0.0029), strongly suggesting that the variant is benign. To our knowledge, no occurrence of c.1629+9G>A in individuals affected with Ehlers-Danlos Syndrome, Type VIIC (Dermatosparaxis) and no experimental evidence demonstrating its impact on protein function have been reported. Three clinical diagnostic laboratories have submitted clinical-significance assessments for this variant to ClinVar after 2014 without evidence for independent evaluation. All laboratories classified the variant as benign (n=2)/likely benign(n=1). Based on the evidence outlined above, the variant was classified as benign.

GeneDx
Classification: Benign. Last evaluated: 2018-05-01. Review status: criteria provided, single submitter. Criteria: GeneDx Variant Classification Process June 2021. Collection method: clinical testing. Allele origin: germline. Affected: yes.

Illumina Laboratory Services, Illumina
Classification: Benign for Ehlers-Danlos syndrome, dermatosparaxis type. Last evaluated: 2018-01-12. Review status: criteria provided, single submitter. Criteria: ICSL Variant Classification Criteria 13 December 2019. Collection method: clinical testing. Allele origin: germline.
Comment: This variant was observed in the ICSL laboratory as part of a predisposition screen in an ostensibly healthy population. It had not been previously curated by ICSL or reported in the Human Gene Mutation Database (HGMD: prior to June 1st, 2018), and was therefore a candidate for classification through an automated scoring system. Utilizing variant allele frequency, disease prevalence and penetrance estimates, and inheritance mode, an automated score was calculated to assess if this variant is too frequent to cause the disease. Based on the score and internal cut-off values, a variant classified as benign is not then subjected to further curation. The score for this variant resulted in a classification of benign for this disease.

Eurofins Ntd Llc (ga)
Classification: Benign. Last evaluated: 2015-07-15. Review status: criteria provided, single submitter. Criteria: EGL Classification Definitions 2015. Collection method: clinical testing. Allele origin: germline. Observed: 1 variant allele, 1 heterozygote.

Natera, Inc.
Classification: Benign for Ehlers-Danlos syndrome type VIIC. Last evaluated: 2019-12-09. Review status: no assertion criteria provided. Collection method: clinical testing. Allele origin: germline. Not counted in ClinVar's aggregate classification.

NM_014244.5(ADAMTS2):c.1629+9G>A

Gene: ADAMTS2 (ADAM metallopeptidase with thrombospondin type 1 motif 2; minus strand). Cytogenetic location: 5q35.3.
Variant type: single nucleotide variant.
Coding change: c.1629+9G>A on transcript NM_014244.5 (MANE Select); 9 bases into the intron after coding-DNA position 1629, G replaced by A.
Molecular consequence: intron variant.
Genome position (GRCh38, 1-based): chr5:179,152,133, C>T on the plus strand (G>A on the coding strand, the complement: ADAMTS2 is on the minus strand). VCF-style: chr5-179152133-C-T. GRCh37 (hg19) VCF-style: chr5-178579134-C-T.
Other names: p.?; c.1629+9G>A (NM_021599.4).
Identifiers: ClinVar variation 281712 (VCV000281712.29), dbSNP rs115550684, ClinGen allele CA3595845.
Genomic context (GRCh38, chr5:179,152,133, plus strand): 5'-GTGACCCGGGCACCTAAGATTCCTGTCCTCTGCCCTGCTGCCCTCCAAGAGCCCTTGATG[C>T]TGCCTCACCTTGCCAGGTGCACACATAGTCCCGTCCAAGGGGGGCCCCTTCTTGGTCTTG-3'